The following is an entry in ClinVar:

ClinVar aggregate classification (germline): Likely pathogenic (1 of 4 stars; one submission).

Conditions:
ATP2B2-related disorder. Also called: ATP2B2-related condition.

Submission:

PreventionGenetics, part of Exact Sciences
Classification: Likely pathogenic for ATP2B2-related condition. Last evaluated: 2025-12-12. Review status: criteria provided, single submitter. Criteria: ACMG Guidelines, 2015. Collection method: clinical testing. Allele origin: germline.
Comment: The ATP2B2 c.1800_1803dupTCGT variant is predicted to result in a frameshift and premature protein termination (p.Val602Serfs*17). To our knowledge, this variant has not been reported in the literature or in a large population database (gnomAD), indicating this variant is rare. Frameshift variants in ATP2B2 are expected to be pathogenic. This variant is interpreted as likely pathogenic.

NM_001001331.4(ATP2B2):c.1935_1938dup (p.Val647fs)

Gene: ATP2B2 (ATPase plasma membrane Ca2+ transporting 2; minus strand). Cytogenetic location: 3p25.3.
Variant type: Duplication.
Coding change: c.1935_1938dup on transcript NM_001001331.4 (MANE Select); coding-DNA positions 1935 to 1938, 4 bases duplicated (TCGT; older notation c.1935_1938dupTCGT).
Protein change: p.Val647fs; shifts the reading frame from valine 647.
Molecular consequence: frameshift variant.
Genome position (GRCh38, 1-based): chr3:10,358,889-10,358,892, ACGA duplicated on the plus strand (TCGT on the coding strand, the reverse complement: ATP2B2 is on the minus strand). VCF-style (leftmost placement, unchanged base first): chr3-10358888-C-CACGA. GRCh37 (hg19) VCF-style: chr3-10400572-C-CACGA.
Other names: c.1800_1803dup, p.Val602fs (NM_001330611.3, NM_001353564.1, NM_001363862.1 and 2 more transcripts); c.1842_1845dup, p.Val616fs (NM_001438646.1); short protein forms V602fs, V647fs, V616fs.
Identifiers: ClinVar variation 4990955 (VCV004990955.1).
Genomic context (GRCh38, chr3:10,358,888, plus strand): 5'-CGCAAGCCATGGGCTCAATCACCTTCTTTACCATCTCGTCCCGGTCGCGGGGCCGGAAGA[C>CACGA]ACGAGGCTCTCCCGCCCCATTGAGGATTTTGCAGCACCTAGGGGAGGATGGAAGGGAGAT-3'